The following is an entry in ClinVar:

NM_002439.5(MSH3):c.3002T>C (p.Val1001Ala)

Gene: MSH3 (mutS homolog 3; plus strand). Cytogenetic location: 5q14.1.
Variant type: single nucleotide variant.
Coding change: c.3002T>C on transcript NM_002439.5 (MANE Select); coding-DNA position 3002, T replaced by C.
Protein change: p.Val1001Ala; replaces valine 1001 with alanine.
Molecular consequence: missense variant.
Genome position (GRCh38, 1-based): chr5:80,864,814, T>C. VCF-style: chr5-80864814-T-C. GRCh37 (hg19) VCF-style: chr5-80160633-T-C.
Other names: c.3002T>C (NM_002439.3); short protein forms V1001A.
Identifiers: ClinVar variation 1055458 (VCV001055458.10), dbSNP rs2112118329, ClinGen allele CA360346029.

ClinVar aggregate classification (germline): Uncertain significance. Review status: criteria provided, multiple submitters, no conflicts (2 of 4 stars). 2 submissions from 2 submitters: Uncertain significance (2). Last evaluated 2025-10-12.

Conditions:
Hereditary cancer-predisposing syndrome. Also called: Hereditary Cancer Syndrome; Tumor predisposition; Hereditary neoplastic syndrome; Neoplastic Syndromes, Hereditary. Identifiers: Orphanet 140162, MedGen C0027672, MeSH D009386, MONDO:0015356.

Submissions (2):

Labcorp Genetics (formerly Invitae), Labcorp
Classification: Uncertain significance. Last evaluated: 2025-10-12. Review status: criteria provided, single submitter. Criteria: Invitae Variant Classification Sherloc (09022015). Collection method: clinical testing. Allele origin: germline.
Comment: This sequence change replaces valine, which is neutral and non-polar, with alanine, which is neutral and non-polar, at codon 1001 of the MSH3 protein (p.Val1001Ala). This variant is not present in population databases (gnomAD no frequency). This variant has not been reported in the literature in individuals affected with MSH3-related conditions. ClinVar contains an entry for this variant (Variation ID: 1055458). An algorithm developed to predict the effect of missense changes on protein structure and function (PolyPhen-2) suggests that this variant is likely to be disruptive. In summary, the available evidence is currently insufficient to determine the role of this variant in disease. Therefore, it has been classified as a Variant of Uncertain Significance.

Ambry Genetics
Classification: Uncertain significance for Hereditary cancer-predisposing syndrome. Last evaluated: 2025-05-02. Review status: criteria provided, single submitter. Criteria: Ambry Variant Classification Scheme 2023. Collection method: clinical testing. Allele origin: germline.
Comment: The p.V1001A variant (also known as c.3002T>C), located in coding exon 22 of the MSH3 gene, results from a T to C substitution at nucleotide position 3002. The valine at codon 1001 is replaced by alanine, an amino acid with similar properties. This amino acid position is conserved. In addition, the in silico prediction for this alteration is inconclusive. Based on the available evidence, the clinical significance of this variant remains unclear.